The following is an entry in ClinVar:

ClinVar aggregate classification (germline): Uncertain significance (1 of 4 stars; one submission).

Conditions:
FGFR3-related chondrodysplasia. Identifiers: Orphanet 93420, MedGen C5681604, MONDO:0019685.

Submission:

Genomenon, Inc
Classification: Uncertain significance for FGFR3-related chondrodysplasia. Last evaluated: 2026-06-23. Review status: criteria provided, single submitter. Criteria: Genomenon Sequence Variant Interpretation Standards - Updated. Collection method: curation. Allele origin: germline. Affected: no.
Comment: FGFR3 p.Val630Met (c.1888G>A) is a missense variant that changes the amino acid at codon 630 from Valine to Methionine. To our knowledge, this variant has not been reported in patients affected with an FGFR3-related disorder in the published literature. Functional studies have been reported (PMID:26992226). It is absent or not present at a significant frequency in gnomAD. In silico models predict that this variant is possibly or probably damaging. In conclusion, we classify FGFR3 p.Val630Met (c.1888G>A) as a variant of uncertain significance.

Literature cited by the submitters: PubMed 26992226.

NM_000142.5(FGFR3):c.1888G>A (p.Val630Met)

Gene: FGFR3 (fibroblast growth factor receptor 3; plus strand). Cytogenetic location: 4p16.3.
Variant type: single nucleotide variant.
Coding change: c.1888G>A on transcript NM_000142.5 (MANE Select); coding-DNA position 1888, G replaced by A.
Protein change: p.Val630Met; replaces valine 630 with methionine.
Molecular consequence: missense variant. On other transcripts: non-coding transcript variant (1).
Genome position (GRCh38, 1-based): chr4:1,806,102, G>A. VCF-style: chr4-1806102-G-A. GRCh37 (hg19) VCF-style: chr4-1807829-G-A.
Other names: c.1894G>A, p.Val632Met (NM_001163213.2); c.1891G>A, p.Val631Met (NM_001354809.2, NM_001354810.2); c.1552G>A, p.Val518Met (NM_022965.4); short protein forms V518M, V630M, V631M, V632M.
Identifiers: ClinVar variation 4857815 (VCV004857815.1).